The following is an entry in ClinVar:

NM_003246.4(THBS1):c.1290G>A (p.Lys430=)

Gene: THBS1 (thrombospondin 1; plus strand). Cytogenetic location: 15q14.
Variant type: single nucleotide variant.
Coding change: c.1290G>A on transcript NM_003246.4 (MANE Select); coding-DNA position 1290, G replaced by A.
Protein change: p.Lys430=; no amino-acid change (lysine 430 retained).
Molecular consequence: synonymous variant.
Genome position (GRCh38, 1-based): chr15:39,587,516, G>A. VCF-style: chr15-39587516-G-A. GRCh37 (hg19) VCF-style: chr15-39879717-G-A.
Other names: c.1290G>A (NM_003246.3).
Identifiers: ClinVar variation 403534 (VCV000403534.7), dbSNP rs2229364, ClinGen allele CA7471895.

ClinVar aggregate classification (germline): Benign. Review status: criteria provided, multiple submitters, no conflicts (2 of 4 stars). 3 submissions from 3 submitters: Benign (2). 1 of the submissions does not count toward it. Last evaluated 2016-03-28.

Conditions:
THBS1-related disorder. Also called: THBS1-related condition.

Allele frequency attached by ClinVar (database versions not stated): ESP Exome Variant Server 0.11313; gnomAD 0.11412 and 0.11948; TOPMed 0.12152; gnomAD exomes 0.13027 and 0.13424; ExAC 0.14817; 1000 Genomes Project 30x 0.15646; 1000 Genomes Project 0.16334.
gnomAD v4.1: 209,063 of 1,610,996 alleles (13%); highest among the groups gnomAD compares: East Asian, 33%; 15,362 homozygotes.

Submissions (3):

Laboratory for Molecular Medicine, Mass General Brigham Personalized Medicine
Classification: Benign. Last evaluated: 2016-03-28. Review status: criteria provided, single submitter. Criteria: LMM Criteria. Collection method: clinical testing. Allele origin: germline.
Comment: Variant identified in a genome or exome case(s) and assessed due to predicted null impact of the variant or pathogenic assertions in the literature or databases. Disclaimer: This variant has not undergone full assessment. The following are preliminary notes: Frequency

Breakthrough Genomics
Classification: Benign. Review status: criteria provided, single submitter. Criteria: ACMG Guidelines, 2015. Collection method: not provided. Allele origin: germline. Inheritance: Unknown mechanism. Affected: yes.

PreventionGenetics, part of Exact Sciences
Classification: Benign for THBS1-related condition. Last evaluated: 2019-10-21. Review status: no assertion criteria provided. Collection method: clinical testing. Allele origin: germline. Not counted in ClinVar's aggregate classification.
Comment: This variant is classified as benign based on ACMG/AMP sequence variant interpretation guidelines (Richards et al. 2015 PMID: 25741868, with internal and published modifications).